The following is an entry in ClinVar:

ClinVar aggregate classification (germline): Pathogenic/Likely pathogenic. Review status: criteria provided, multiple submitters, no conflicts (2 of 4 stars). 4 submissions from 4 submitters: Pathogenic (1); Likely pathogenic (3). Last evaluated 2025-12-19.

Conditions:
Retinitis pigmentosa 28 (RP28). Identifiers: Orphanet 791, MedGen C1419614, MONDO:0011630, OMIM 606068.

Allele frequency attached by ClinVar (database versions not stated): gnomAD exomes 0.00001 and 0.00002; ExAC 0.00002; gnomAD 0.00002; 1000 Genomes Project 30x 0.00047; 1000 Genomes Project 0.00060.

Submissions (4):

Natera, Inc.
Classification: Likely pathogenic for Retinitis pigmentosa type 28. Last evaluated: 2025-12-19. Review status: criteria provided, single submitter. Criteria: Natera Variant Classification Schema (03/2026). Collection method: clinical testing. Allele origin: germline.
Comment: The c.277G>T variant in FAM161A is a nonsense variant predicted to introduce a stop codon at amino acid 93. This variant is expected to result in nonsense mediated decay, truncation, or a dysfunctional protein product. This variant is rare in the general population with a frequency below the threshold expected for the associated phenotype(s). Given the available evidence, this variant is classified as Likely Pathogenic.

Fulgent Genetics
Classification: Likely pathogenic for Retinitis pigmentosa 28. Last evaluated: 2024-01-04. Review status: criteria provided, single submitter. Criteria: ACMG Guidelines, 2015. Collection method: clinical testing. Allele origin: germline.

Labcorp Genetics (formerly Invitae), Labcorp
Classification: Pathogenic. Last evaluated: 2023-12-29. Review status: criteria provided, single submitter. Criteria: Invitae Variant Classification Sherloc (09022015). Collection method: clinical testing. Allele origin: germline.
Comment: This sequence change creates a premature translational stop signal (p.Glu93*) in the FAM161A gene. It is expected to result in an absent or disrupted protein product. Loss-of-function variants in FAM161A are known to be pathogenic (PMID: 20705278, 20705279, 24651477). This variant is present in population databases (rs531265943, gnomAD 0.01%). This variant has not been reported in the literature in individuals affected with FAM161A-related conditions. ClinVar contains an entry for this variant (Variation ID: 950837). For these reasons, this variant has been classified as Pathogenic.

Revvity Omics, Revvity
Classification: Likely pathogenic for Retinitis pigmentosa 28. Last evaluated: 2020-08-19. Review status: criteria provided, single submitter. Criteria: ACMG Guidelines, 2015. Collection method: clinical testing. Allele origin: germline.

Literature cited by the submitters: PubMed 20705278 (cited by Labcorp Genetics (formerly Invitae), Labcorp); PubMed 20705279 (cited by Labcorp Genetics (formerly Invitae), Labcorp); PubMed 24651477 (cited by Labcorp Genetics (formerly Invitae), Labcorp).

NM_001201543.2(FAM161A):c.277G>T (p.Glu93Ter)

Gene: FAM161A (FAM161 centrosomal protein A; minus strand). Cytogenetic location: 2p15.
Variant type: single nucleotide variant.
Coding change: c.277G>T on transcript NM_001201543.2 (MANE Select); coding-DNA position 277, G replaced by T.
Protein change: p.Glu93Ter; replaces glutamic acid 93 with a stop codon.
Molecular consequence: nonsense. On other transcripts: non-coding transcript variant (1).
Genome position (GRCh38, 1-based): chr2:61,842,267, C>A on the plus strand (G>T on the coding strand, the complement: FAM161A is on the minus strand). VCF-style: chr2-61842267-C-A. GRCh37 (hg19) VCF-style: chr2-62069402-C-A.
Other names: c.277G>T, p.Glu93Ter (NM_032180.3); short protein forms E93*.
Identifiers: ClinVar variation 950837 (VCV000950837.16), dbSNP rs531265943, ClinGen allele CA1679392.